The following is an entry in ClinVar:

ClinVar aggregate classification (germline): Uncertain significance (1 of 4 stars; one submission).

Conditions:
Polyglandular autoimmune syndrome, type 1 (APS1). Also called: Autoimmune polyendocrinopathy syndrome, type I; APS I; AUTOIMMUNE POLYENDOCRINE SYNDROME, TYPE I, WITH OR WITHOUT REVERSIBLE METAPHYSEAL DYSPLASIA; Autoimmune polyendocrine syndrome type 1; HYPOADRENOCORTICISM WITH HYPOPARATHYROIDISM AND SUPERFICIAL MONILIASIS; Whitaker syndrome. Identifiers: Orphanet 3453, MedGen C0085859, MONDO:0009411, OMIM 240300.

Submission:

Labcorp Genetics (formerly Invitae), Labcorp
Classification: Uncertain significance for Polyglandular autoimmune syndrome, type 1. Last evaluated: 2024-10-14. Review status: criteria provided, single submitter. Criteria: Invitae Variant Classification Sherloc (09022015). Collection method: clinical testing. Allele origin: germline.
Comment: This sequence change replaces aspartic acid, which is acidic and polar, with glutamic acid, which is acidic and polar, at codon 36 of the AIRE protein (p.Asp36Glu). This variant is not present in population databases (gnomAD no frequency). This variant has not been reported in the literature in individuals affected with AIRE-related conditions. ClinVar contains an entry for this variant (Variation ID: 1943779). Invitae Evidence Modeling of protein sequence and biophysical properties (such as structural, functional, and spatial information, amino acid conservation, physicochemical variation, residue mobility, and thermodynamic stability) has been performed for this missense variant. However, the output from this modeling did not meet the statistical confidence thresholds required to predict the impact of this variant on AIRE protein function. In summary, the available evidence is currently insufficient to determine the role of this variant in disease. Therefore, it has been classified as a Variant of Uncertain Significance.

NM_000383.4(AIRE):c.108C>G (p.Asp36Glu)

Gene: AIRE (autoimmune regulator; plus strand). Cytogenetic location: 21q22.3.
Variant type: single nucleotide variant.
Coding change: c.108C>G on transcript NM_000383.4 (MANE Select); coding-DNA position 108, C replaced by G.
Protein change: p.Asp36Glu; replaces aspartic acid 36 with glutamic acid.
Molecular consequence: missense variant.
Genome position (GRCh38, 1-based): chr21:44,286,114, C>G. VCF-style: chr21-44286114-C-G. GRCh37 (hg19) VCF-style: chr21-45705997-C-G.
Other names: short protein forms D36E.
Identifiers: ClinVar variation 1943779 (VCV001943779.5), dbSNP rs758891043, ClinGen allele CA410423124.